The following is an entry in ClinVar:

ClinVar aggregate classification (germline): Conflicting classifications of pathogenicity. Review status: criteria provided, conflicting classifications (1 of 4 stars). 7 submissions from 7 submitters: Uncertain significance (1); Likely benign (5). 1 of the submissions does not count toward it. Last evaluated 2025-12-02.

Conditions:
Epidermolysis bullosa simplex, Ogna type (EBS5A). Also called: Pidermolysis bullosa simplex 5A, Ogna type; EPIDERMOLYSIS BULLOSA SIMPLEX 5A, OGNA TYPE. Identifiers: Orphanet 79401, MedGen C0432317, MONDO:0007555, OMIM 131950.
Epidermolysis bullosa simplex with nail dystrophy (EBS5D). Identifiers: MedGen C4225309, MONDO:0014661, OMIM 616487.
Autosomal recessive limb-girdle muscular dystrophy type 2Q (LGMDR17). Also called: MUSCULAR DYSTROPHY, LIMB-GIRDLE, AUTOSOMAL RECESSIVE 17. Identifiers: Orphanet 254361, MedGen C3150989, MONDO:0013390, OMIM 613723.
Epidermolysis bullosa simplex 5C, with pyloric atresia (EBS5C). Also called: Epidermolysis bullosa simplex with pyloric atresia; PLEC1-Related Epidermolysis Bullosa with Pyloric Atresia; PLEC-Related Epidermolysis Bullosa with Pyloric Atresia. Identifiers: Orphanet 158684, MedGen C2677349, MONDO:0012807, OMIM 612138.
Epidermolysis bullosa simplex 5B, with muscular dystrophy (EBS5B). Also called: Epidermolysis bullosa simplex with muscular dystrophy; EPIDERMOLYSIS BULLOSA SIMPLEX AND LIMB-GIRDLE MUSCULAR DYSTROPHY. Identifiers: Orphanet 257, MedGen C2931072, MONDO:0009181, OMIM 226670.
PLEC-related disorder. Also called: PLEC-related disorders; PLEC-related condition.

Allele frequency attached by ClinVar (database versions not stated): gnomAD exomes 0.00033 and 0.00039; TOPMed 0.00042; gnomAD 0.00044; ESP Exome Variant Server 0.00047; ExAC 0.00050.
gnomAD v4.1: 606 of 1,586,390 alleles (0.038%); highest among the groups gnomAD compares: Non-Finnish European, 0.047%; 1 homozygote.

Submissions (7):

Labcorp Genetics (formerly Invitae), Labcorp
Classification: Likely benign for Autosomal recessive limb-girdle muscular dystrophy type 2Q; Epidermolysis bullosa simplex, Ogna type; Epidermolysis bullosa simplex with nail dystrophy; Epidermolysis bullosa simplex 5C, with pyloric atresia; Epidermolysis bullosa simplex 5B, with muscular dystrophy. Last evaluated: 2025-12-02. Review status: criteria provided, single submitter. Criteria: Invitae Variant Classification Sherloc (09022015). Collection method: clinical testing. Allele origin: germline.

Blueprint Genetics
Classification: Likely benign. Last evaluated: 2024-11-27. Review status: criteria provided, single submitter. Criteria: ACMG Guidelines, 2015. Collection method: clinical testing. Allele origin: germline.

Revvity Omics, Revvity
Classification: Likely benign. Last evaluated: 2024-01-16. Review status: criteria provided, single submitter. Criteria: ACMG Guidelines, 2015. Collection method: clinical testing. Allele origin: germline.

CeGaT Center for Human Genetics Tuebingen
Classification: Likely benign. Last evaluated: 2022-10-01. Review status: criteria provided, single submitter. Criteria: CeGaT Center For Human Genetics Tuebingen Variant Classification Criteria Version 2. Collection method: clinical testing. Allele origin: germline. Affected: yes. Observed: 1 variant allele.
Comment: PLEC: BP4, BP7

GeneDx
Classification: Likely benign. Last evaluated: 2020-10-23. Review status: criteria provided, single submitter. Criteria: GeneDx Variant Classification Process June 2021. Collection method: clinical testing. Allele origin: germline. Affected: yes.

Eurofins Ntd Llc (ga)
Classification: Uncertain significance. Last evaluated: 2015-10-19. Review status: criteria provided, single submitter. Criteria: EGL Classification Definitions 2015. Collection method: clinical testing. Allele origin: germline. Observed: 4 variant alleles, 4 heterozygotes.

PreventionGenetics, part of Exact Sciences
Classification: Likely benign for PLEC-related condition. Last evaluated: 2024-01-02. Review status: no assertion criteria provided. Collection method: clinical testing. Allele origin: germline. Not counted in ClinVar's aggregate classification.
Comment: This variant is classified as likely benign based on ACMG/AMP sequence variant interpretation guidelines (Richards et al. 2015 PMID: 25741868, with internal and published modifications).

NM_201384.3(PLEC):c.6099G>A (p.Ala2033=)

Gene: PLEC (plectin; minus strand). Cytogenetic location: 8q24.3.
Variant type: single nucleotide variant.
Coding change: c.6099G>A on transcript NM_201384.3 (MANE Select); coding-DNA position 6099, G replaced by A.
Protein change: p.Ala2033=; no amino-acid change (alanine 2033 retained).
Molecular consequence: synonymous variant.
Genome position (GRCh38, 1-based): chr8:143,923,830, C>T on the plus strand (G>A on the coding strand, the complement: PLEC is on the minus strand). VCF-style: chr8-143923830-C-T. GRCh37 (hg19) VCF-style: chr8-144997998-C-T.
Other names: c.6180G>A, p.Ala2060= (NM_000445.5); c.6057G>A, p.Ala2019= (NM_201378.4); c.6033G>A, p.Ala2011= (NM_201379.3); c.6510G>A, p.Ala2170= (NM_201380.4); c.6003G>A, p.Ala2001= (NM_201381.3); c.6099G>A, p.Ala2033= (NM_201382.4); c.6111G>A, p.Ala2037= (NM_201383.3).
Identifiers: ClinVar variation 283975 (VCV000283975.46), dbSNP rs375465011, ClinGen allele CA4926108.
Genomic context (GRCh38, chr8:143,923,830, plus strand): 5'-TGCCTTCTCTTCCGCCTGCAGCCGCTTCTGGGCGGCCTCCTGGGCCAGCTGCAGCTGCCG[C>T]GCCGACTCCTGCTCCGCTCGCTCCCGCAGGCGCCGCGCCTCCTCCACCTTGGCTTTCAGC-3'
Protein context (NP_958786.1, residues 2023-2043): RLRERAEQES[Ala2033=]RQLQLAQEAA